The following is an entry in ClinVar:

ClinVar aggregate classification (germline): Likely benign. Review status: criteria provided, multiple submitters, no conflicts (2 of 4 stars). 3 submissions from 3 submitters: Likely benign (3). Last evaluated 2025-08-09.

Conditions:
Familial isolated arrhythmogenic right ventricular dysplasia. Identifiers: Orphanet 217656, MedGen C4274968, MONDO:0016342.
Cardiomyopathy (CMYO). Also called: Cardiomyopathies. Identifiers: Orphanet 167848, MedGen C0878544, MONDO:0004994, HP:0001638. Inheritance: Various modes of inheritance.
Arrhythmogenic right ventricular dysplasia 11. Also called: Arrhythmogenic Right Ventricular Dysplasia/Cardiomyopathy11; ARRHYTHMOGENIC RIGHT VENTRICULAR DYSPLASIA, FAMILIAL, 11; Arrhythmogenic right ventricular dysplasia 11 with mild palmoplantar keratoderma and woolly hair. Identifiers: MedGen C1864850, MONDO:0012506, OMIM 610476.

Submissions (3):

Labcorp Genetics (formerly Invitae), Labcorp
Classification: Likely benign for Arrhythmogenic right ventricular dysplasia 11. Last evaluated: 2025-08-09. Review status: criteria provided, single submitter. Criteria: Invitae Variant Classification Sherloc (09022015). Collection method: clinical testing. Allele origin: germline.

All of Us Research Program, National Institutes of Health
Classification: Likely benign for Familial isolated arrhythmogenic right ventricular dysplasia. Last evaluated: 2023-10-02. Review status: criteria provided, single submitter. Criteria: ACMG Guidelines, 2015. Collection method: clinical testing. Allele origin: germline. Inheritance: Autosomal dominant inheritance. Observed: 2 variant alleles, 2 heterozygotes.
Comment: This study involves interpretation of variants in research participants for the purpose of population health screening. Participant phenotype was not available at the time of variant classification. Additional details can be found in publication PMID: 35346344, PMCID: PMC8962531

Color Diagnostics, LLC DBA Color Health
Classification: Likely benign for Cardiomyopathy. Last evaluated: 2022-11-08. Review status: criteria provided, single submitter. Criteria: ACMG Guidelines, 2015. Collection method: clinical testing. Allele origin: germline.

NM_024422.6(DSC2):c.2126-15dup

Gene: DSC2 (desmocollin 2; minus strand). Cytogenetic location: 18q12.1.
Variant type: Duplication.
Coding change: c.2126-15dup on transcript NM_024422.6 (MANE Select); 15 bases into the intron before coding-DNA position 2126, one base duplicated (T; older notation c.2126-15dupT).
Molecular consequence: intron variant.
Genome position (GRCh38, 1-based): chr18:31,070,865, A duplicated on the plus strand (T on the coding strand, the reverse complement: DSC2 is on the minus strand); the first of 3 consecutive A bases (chr18:31,070,865-31,070,867); duplicating any one gives the same sequence. VCF-style (leftmost placement, unchanged base first): chr18-31070864-G-GA. GRCh37 (hg19) VCF-style: chr18-28650830-G-GA.
Other names: c.2126-15dup (NM_004949.5).
Identifiers: ClinVar variation 2077847 (VCV002077847.6), dbSNP rs1378466340, ClinGen allele CA778393395.
Genomic context (GRCh38, chr18:31,070,864, plus strand): 5'-TTGTTTAGACGTCCCAGAAGCCCCACAGACCAGCGTAAACAGGATGCCTGGAGGAAGAAA[G>GA]AAATATACTTGAGTTTATCATAAAATAATATGAAGTTATAAATGTACAATGGTTAATACA-3'